The following is an entry in ClinVar:

NM_004174.4(SLC9A3):c.8G>A (p.Gly3Glu)

Gene: SLC9A3 (solute carrier family 9 member A3). Cytogenetic location: 5p15.33.
Variant type: single nucleotide variant.
Coding change: c.8G>A on transcript NM_004174.4 (MANE Select); coding-DNA position 8, G replaced by A.
Protein change: p.Gly3Glu; replaces glycine 3 with glutamic acid.
Molecular consequence: missense variant.
Genome position (GRCh38, 1-based): chr5:524,315, C>T on the plus strand (G>A on the coding strand, the complement: SLC9A3 is on the minus strand). VCF-style: chr5-524315-C-T. GRCh37 (hg19) VCF-style: chr5-524430-C-T.
Other names: c.8G>A, p.Gly3Glu (NM_001284351.3); short protein forms G3E.
Identifiers: ClinVar variation 2420262 (VCV002420262.4), dbSNP rs1333669177, ClinGen allele CA359018823.

ClinVar aggregate classification (germline): Uncertain significance (1 of 4 stars; one submission).

Allele frequency attached by ClinVar (database versions not stated): gnomAD exomes below 0.00001; TOPMed 0.00002; gnomAD 0.00005.
gnomAD v4.1: 13 of 1,263,142 alleles (0.001%); highest among the groups gnomAD compares: Admixed American, 0.039%; no homozygotes.

Submission:

Labcorp Genetics (formerly Invitae), Labcorp
Classification: Uncertain significance. Last evaluated: 2022-10-09. Review status: criteria provided, single submitter. Criteria: Invitae Variant Classification Sherloc (09022015). Collection method: clinical testing. Allele origin: germline.
Comment: In summary, the available evidence is currently insufficient to determine the role of this variant in disease. Therefore, it has been classified as a Variant of Uncertain Significance. Experimental studies and prediction algorithms are not available or were not evaluated, and the functional significance of this variant is currently unknown. This variant has not been reported in the literature in individuals affected with SLC9A3-related conditions. This variant is not present in population databases (gnomAD no frequency). This sequence change replaces glycine, which is neutral and non-polar, with glutamic acid, which is acidic and polar, at codon 3 of the SLC9A3 protein (p.Gly3Glu).